The following is an entry in ClinVar:

ClinVar aggregate classification (germline): Pathogenic (1 of 4 stars; one submission).

Conditions:
Pitt-Hopkins-like syndrome 2 (PTHSL2). Identifiers: Orphanet 221150, Orphanet 600663, MedGen C3280479, MONDO:0013690, OMIM 614325.

Submission:

Labcorp Genetics (formerly Invitae), Labcorp
Classification: Pathogenic for Pitt-Hopkins-like syndrome 2. Last evaluated: 2022-05-10. Review status: criteria provided, single submitter. Criteria: Invitae Variant Classification Sherloc (09022015). Collection method: clinical testing. Allele origin: germline.
Comment: For these reasons, this variant has been classified as Pathogenic. This variant has not been reported in the literature in individuals affected with NRXN1-related conditions. This variant is not present in population databases (gnomAD no frequency). This sequence change creates a premature translational stop signal (p.Asp464Glufs*31) in the NRXN1 gene. It is expected to result in an absent or disrupted protein product. Loss-of-function variants in NRXN1 are known to be pathogenic (PMID: 19896112, 21964664, 23495017, 23533028, 25149956, 30031152).

Literature cited by the submitters: PubMed 19896112; PubMed 21964664; PubMed 23495017; PubMed 23533028; PubMed 25149956; PubMed 30031152.

NM_001330078.2(NRXN1):c.1271_1272insACTTCCAGGGTCACCAA (p.Asp424fs)

Gene: NRXN1 (neurexin 1; minus strand). Cytogenetic location: 2p16.3.
Variant type: Insertion.
Coding change: c.1271_1272insACTTCCAGGGTCACCAA on transcript NM_001330078.2 (MANE Select); coding-DNA positions 1271 to 1272, ACTTCCAGGGTCACCAA inserted.
Protein change: p.Asp424fs; shifts the reading frame from aspartic acid 424.
Molecular consequence: frameshift variant.
Genome position: GRCh38 VCF-style: chr2-50620070-G-GTTGGTGACCCTGGAAGT. GRCh37 (hg19) VCF-style: chr2-50847208-G-GTTGGTGACCCTGGAAGT.
Other names: c.1391_1392insACTTCCAGGGTCACCAA, p.Asp464fs (NM_001135659.3); c.1247_1248insACTTCCAGGGTCACCAA, p.Asp416fs (NM_001330077.2, NM_001330082.2, NM_001330095.2); c.1232_1233insACTTCCAGGGTCACCAA, p.Asp411fs (NM_001330083.2, NM_001330084.2); c.1271_1272insACTTCCAGGGTCACCAA, p.Asp424fs (NM_001330085.2, NM_001330086.2, NM_004801.6); c.1187_1188insACTTCCAGGGTCACCAA, p.Asp396fs (NM_001330087.2, NM_001330096.2); c.1217_1218insACTTCCAGGGTCACCAA, p.Asp406fs (NM_001330088.2); c.1268_1269insACTTCCAGGGTCACCAA, p.Asp423fs (NM_001330093.2); c.1259_1260insACTTCCAGGGTCACCAA, p.Asp420fs (NM_001330094.2); short protein forms D396fs, D406fs, D423fs, D416fs, D420fs, D411fs, D424fs, D464fs.
Identifiers: ClinVar variation 1992752 (VCV001992752.4), dbSNP rs2466813017, ClinGen allele CA2580067223.